The following is an entry in ClinVar:

NM_001130144.3(LTBP3):c.3574G>T (p.Glu1192Ter)

Gene: LTBP3 (latent transforming growth factor beta binding protein 3; minus strand). Cytogenetic location: 11q13.1.
Variant type: single nucleotide variant.
Coding change: c.3574G>T on transcript NM_001130144.3 (MANE Select); coding-DNA position 3574, G replaced by T.
Protein change: p.Glu1192Ter; replaces glutamic acid 1192 with a stop codon.
Molecular consequence: nonsense.
Genome position (GRCh38, 1-based): chr11:65,539,602, C>A on the plus strand (G>T on the coding strand, the complement: LTBP3 is on the minus strand). VCF-style: chr11-65539602-C-A. GRCh37 (hg19) VCF-style: chr11-65307073-C-A.
Other names: c.3082G>T, p.Glu1028Ter (NM_001164266.1); c.3433G>T, p.Glu1145Ter (NM_021070.4); short protein forms E1028*, E1145*, E1192*.
Identifiers: ClinVar variation 1324686 (VCV001324686.5), dbSNP rs1265250025, ClinGen allele CA381266578.

ClinVar aggregate classification (germline): Pathogenic/Likely pathogenic. Review status: criteria provided, multiple submitters, no conflicts (2 of 4 stars). 2 submissions from 2 submitters: Pathogenic (1); Likely pathogenic (1). Last evaluated 2021-04-23.

Conditions:
Geleophysic dysplasia 1 (GPHYSD1). Also called: Geleophysic dwarfism. Identifiers: Orphanet 2623, MedGen C3278147, MONDO:0009269, OMIM 231050.

Submissions (2):

Revvity Omics, Revvity
Classification: Likely pathogenic. Last evaluated: 2021-04-23. Review status: criteria provided, single submitter. Criteria: ACMG Guidelines, 2015. Collection method: clinical testing. Allele origin: germline.

Faculty of Medicine, Yarmouk University
Classification: Pathogenic for Geleophysic dysplasia 1. Review status: criteria provided, single submitter. Criteria: ACMG Guidelines, 2015. Collection method: clinical testing. Allele origin: germline. Affected: yes. Observed: 1 compound heterozygote.
Comment: The ACMG/AMP Classification for the LTBP3 variant: c.3574G>T (p.Glu1192*): Pathogenic The variant is a nonsense mutation (p.Glu1192*) in the LTBP3 gene. LTBP3 is a gene where loss-of-function is a known mechanism of disease (for autosomal recessive conditions like Weill-Marchesani syndrome and DASS). This variant is predicted to lead to a truncated protein or nonsense-mediated mRNA decay, causing a complete loss of function.

Literature cited by the submitters: DOI 10.1016/j.ajhg.2009.03.00 (cited by Faculty of Medicine, Yarmouk University).